The following is an entry in ClinVar:

NM_032634.4(PIGO):c.2895G>A (p.Glu965=)

Gene: PIGO (phosphatidylinositol glycan anchor biosynthesis class O; minus strand). Cytogenetic location: 9p13.3.
Variant type: single nucleotide variant.
Coding change: c.2895G>A on transcript NM_032634.4 (MANE Select); coding-DNA position 2895, G replaced by A.
Protein change: p.Glu965=; no amino-acid change (glutamic acid 965 retained).
Molecular consequence: synonymous variant.
Genome position (GRCh38, 1-based): chr9:35,090,240, C>T on the plus strand (G>A on the coding strand, the complement: PIGO is on the minus strand). VCF-style: chr9-35090240-C-T. GRCh37 (hg19) VCF-style: chr9-35090237-C-T.
Other names: c.1644G>A, p.Glu548= (NM_001201484.2, NM_152850.4).
Identifiers: ClinVar variation 2172982 (VCV002172982.2), dbSNP rs1349977782, ClinGen allele CA464421053.

ClinVar aggregate classification (germline): Uncertain significance (1 of 4 stars; one submission).

Conditions:
Hyperphosphatasia with impaired intellectual development syndrome 2. Also called: Hyperphosphatasia with intellectual disability syndrome 2; GLYCOSYLPHOSPHATIDYLINOSITOL BIOSYNTHESIS DEFECT 6. Identifiers: Orphanet 247262, MedGen C3553637, MONDO:0013882, OMIM 614749.

Allele frequency attached by ClinVar (database versions not stated): gnomAD 0.00001; TOPMed 0.00001.
gnomAD v4.1: 3 of 1,614,072 alleles (0.00019%); highest among the groups gnomAD compares: Admixed American, 0.0033%; no homozygotes.

Submission:

Labcorp Genetics (formerly Invitae), Labcorp
Classification: Uncertain significance for Hyperphosphatasia with impaired intellectual development syndrome 2. Last evaluated: 2022-07-02. Review status: criteria provided, single submitter. Criteria: Invitae Variant Classification Sherloc (09022015). Collection method: clinical testing. Allele origin: germline.
Comment: This sequence change affects codon 965 of the PIGO mRNA. It is a 'silent' change, meaning that it does not change the encoded amino acid sequence of the PIGO protein. In summary, the available evidence is currently insufficient to determine the role of this variant in disease. Therefore, it has been classified as a Variant of Uncertain Significance. Algorithms developed to predict the effect of sequence changes on RNA splicing suggest that this variant may create or strengthen a splice site. This variant has not been reported in the literature in individuals affected with PIGO-related conditions. This variant is present in population databases (no rsID available, gnomAD 0.0008%).